The following is an entry in ClinVar:

ClinVar aggregate classification (germline): Benign/Likely benign. Review status: criteria provided, multiple submitters, no conflicts (2 of 4 stars). 7 submissions from 7 submitters: Benign (5); Likely benign (1). 1 of the submissions does not count toward it. Last evaluated 2026-02-03.

Conditions:
NEBL-related disorder. Also called: NEBL-related condition.
Cardiovascular phenotype. Identifiers: MedGen CN230736.
Primary dilated cardiomyopathy (DCM). Also called: Dilated Cardiomyopathy. Identifiers: Orphanet 217604, MedGen C0007193, MeSH D002311, MONDO:0005021, HP:0001644. Inheritance: Various modes of inheritance.

Allele frequency attached by ClinVar (database versions not stated): 1000 Genomes Project 0.03854; 1000 Genomes Project 30x 0.03904; gnomAD 0.05503; TOPMed 0.05857; ESP Exome Variant Server 0.06098.
gnomAD v4.1: 116,129 of 1,588,688 alleles (7.3%); highest among the groups gnomAD compares: Middle Eastern, 17%; 4,929 homozygotes.

Submissions (7):

Labcorp Genetics (formerly Invitae), Labcorp
Classification: Benign for Primary dilated cardiomyopathy. Last evaluated: 2026-02-03. Review status: criteria provided, single submitter. Criteria: Invitae Variant Classification Sherloc (09022015). Collection method: clinical testing. Allele origin: germline.

Women's Health and Genetics/Laboratory Corporation of America, LabCorp
Classification: Likely benign. Last evaluated: 2023-04-04. Review status: criteria provided, single submitter. Criteria: LabCorp Variant Classification Summary - May 2015. Collection method: clinical testing. Allele origin: germline.

GeneDx
Classification: Benign. Last evaluated: 2014-01-17. Review status: criteria provided, single submitter. Criteria: GeneDx Variant Classification (06012015). Collection method: clinical testing. Allele origin: germline. Affected: yes.
Comment: This variant is considered likely benign or benign based on one or more of the following criteria: it is a conservative change, it occurs at a poorly conserved position in the protein, it is predicted to be benign by multiple in silico algorithms, and/or has population frequency not consistent with disease.

Ambry Genetics
Classification: Benign for Cardiovascular phenotype. Last evaluated: 2012-09-26. Review status: criteria provided, single submitter. Criteria: Ambry Autosomal Dominant and X-Linked criteria (10/2015). Collection method: clinical testing. Allele origin: germline. Observed: 1 variant allele.
Comment: General population or subpopulation frequency is too high to be a pathogenic mutation based on disease/syndrome prevalence and penetrance

Laboratory for Molecular Medicine, Mass General Brigham Personalized Medicine
Classification: Benign. Last evaluated: 2012-03-19. Review status: criteria provided, single submitter. Criteria: LMM Criteria. Collection method: clinical testing. Allele origin: germline. Observed: 234 variant alleles.
Comment: p.Asp378His in Exon 12 of NEBL: This variant is not expected to have clinical si gnificance because it has been identified in 8.2% (578/7018) of European America n chromosomes from a broad population by the NHLBI Exome Sequencing Project (dbSNP rs41277370).

Breakthrough Genomics
Classification: Benign. Review status: criteria provided, single submitter. Criteria: ACMG Guidelines, 2015. Collection method: not provided. Allele origin: germline. Inheritance: Unknown mechanism. Affected: yes.

PreventionGenetics, part of Exact Sciences
Classification: Benign for NEBL-related condition. Last evaluated: 2019-11-26. Review status: no assertion criteria provided. Collection method: clinical testing. Allele origin: germline. Not counted in ClinVar's aggregate classification.
Comment: This variant is classified as benign based on ACMG/AMP sequence variant interpretation guidelines (Richards et al. 2015 PMID: 25741868, with internal and published modifications).

NM_006393.3(NEBL):c.1132G>C (p.Asp378His)

Gene: NEBL (nebulette; minus strand). Cytogenetic location: 10p12.31.
Variant type: single nucleotide variant.
Coding change: c.1132G>C on transcript NM_006393.3 (MANE Select); coding-DNA position 1132, G replaced by C.
Protein change: p.Asp378His; replaces aspartic acid 378 with histidine.
Molecular consequence: missense variant. On other transcripts: intron variant (9).
Genome position (GRCh38, 1-based): chr10:20,845,353, C>G on the plus strand (G>C on the coding strand, the complement: NEBL is on the minus strand). VCF-style: chr10-20845353-C-G. GRCh37 (hg19) VCF-style: chr10-21134282-C-G.
Other names: p.D378H:GAT>CAT; c.250-32413G>C (NM_001377326.1, NM_001377327.1, NM_001377328.1); c.358-32413G>C (NM_213569.2, NM_001173484.2, NM_001377322.1); c.301-32413G>C (NM_001377324.1); c.292-32413G>C (NM_001377325.1); c.310-32413G>C (NM_001377323.1); short protein forms D378H.
Identifiers: ClinVar variation 45475 (VCV000045475.19), dbSNP rs41277370, ClinGen allele CA136387.
Genomic context (GRCh38, chr10:20,845,353, plus strand): 5'-AAAATTCTGGAGTCTTGTCTAAATCCAGTGATGACCTTCCTTTAATCTCCTTCTCAAAAT[C>G]CTCTTTGTAAACTTTCTGTTAAATAAGACCACATAATTTTAAAGTTAGCAAATATCAGTG-3'
Protein context (NP_006384.1, residues 368-388): KMQSEKVYKE[Asp378His]FEKEIKGRSS